The following is an entry in ClinVar:

ClinVar aggregate classification (germline): Pathogenic/Likely pathogenic. Review status: criteria provided, multiple submitters, no conflicts (2 of 4 stars). 9 submissions from 9 submitters: Pathogenic (1); Likely pathogenic (7). 1 of the submissions does not count toward it. Last evaluated 2026-09-08.

Conditions:
Cardiovascular phenotype. Identifiers: MedGen CN230736.
Dilated cardiomyopathy 1G (CMD1G). Identifiers: Orphanet 154, MedGen C1858763, MONDO:0011400, OMIM 604145.
Autosomal recessive limb-girdle muscular dystrophy type 2J (LGMDR10). Also called: Limb-girdle muscular dystrophy, type 2J; MUSCULAR DYSTROPHY, LIMB-GIRDLE, AUTOSOMAL RECESSIVE 10. Identifiers: Orphanet 140922, MedGen C1837342, MONDO:0012127, OMIM 608807.
Cardiomyopathy (CMYO). Also called: Cardiomyopathies. Identifiers: Orphanet 167848, MedGen C0878544, MONDO:0004994, HP:0001638. Inheritance: Various modes of inheritance.
Primary dilated cardiomyopathy (DCM). Also called: Dilated Cardiomyopathy. Identifiers: Orphanet 217604, MedGen C0007193, MeSH D002311, MONDO:0005021, HP:0001644. Inheritance: Various modes of inheritance.

Allele frequency attached by ClinVar (database versions not stated): gnomAD exomes below 0.00001.
gnomAD v4.1: 1 of 1,607,304 alleles (0.000062%); highest among the groups gnomAD compares: Admixed American, 0.0017%; no homozygotes.

Submissions (9):

GeneDx
Classification: Likely pathogenic. Last evaluated: 2026-09-08. Review status: criteria provided, single submitter. Criteria: GeneDx Variant Classification Process June 2021. Collection method: clinical testing. Allele origin: germline.
Comment: Nonsense variant predicted to result in protein truncation or nonsense mediated decay in a gene for which loss of function is a known mechanism of disease; Located in the A-band, a region of TTN for which truncating variants are significantly associated with autosomal dominant cardiomyopathy and also with autosomal recessive skeletal myopathies (PMID: 22335739, 32778822); Not observed at significant frequency in large population cohorts (gnomAD); This variant is associated with the following publications: (PMID: 31317183, 31983221, 25589632, 32880476, 29377983, 37728764, 37652022, 39844436, 40155426, 39096151, 22335739, 32778822, 24575448)

Labcorp Genetics (formerly Invitae), Labcorp
Classification: Likely pathogenic for Dilated cardiomyopathy 1G; Autosomal recessive limb-girdle muscular dystrophy type 2J. Last evaluated: 2026-01-19. Review status: criteria provided, single submitter. Criteria: Invitae Variant Classification Sherloc (09022015). Collection method: clinical testing. Allele origin: germline.
Comment: This sequence change creates a premature translational stop signal (p.Arg20311*) in the TTN gene. While this is not anticipated to result in nonsense mediated decay, it is expected to create a truncated TTN protein. This variant is present in population databases (no rsID available, gnomAD 0.003%). This premature translational stop signal has been observed in individual(s) with clinical features of dilated cardiomyopathy (PMID: 25589632, 31317183, 31983221, 32880476, 39425739). This variant is also known as c.33736C>T (p.Arg11246*). ClinVar contains an entry for this variant (Variation ID: 223288). This variant is located in the A band of TTN (PMID: 25589632). Truncating variants in this region are significantly overrepresented in patients affected with dilated cardiomyopathy (PMID: 25589632). Truncating variants in this region have also been reported in individuals affected with autosomal recessive centronuclear myopathy (PMID: 23975875). In summary, the currently available evidence indicates that the variant is pathogenic, but additional data are needed to prove that conclusively. Therefore, this variant has been classified as Likely Pathogenic.

Variantyx, Inc.
Classification: Pathogenic for Dilated cardiomyopathy 1G. Last evaluated: 2025-03-04. Review status: criteria provided, single submitter. Criteria: Variantyx Assertion Criteria 2022. Collection method: clinical testing. Allele origin: germline. Inheritance: Autosomal dominant inheritance. Affected: yes.
Comment: This is a nonsense variant in the TTN gene (OMIM: 188840). Pathogenic variants in this gene have been associated with autosomal dominant dilated cardiomyopathy 1G. This variant introduces a premature termination codon in exon 304 out of 363 and is expected to result in loss of function, which is a known disease mechanism for TTN in this disorder (PMID: 27869827, 33226272) (PVS1). This variant has been reported in at least two affected individuals (PMID: 32880476) (PS4).It has a 0.0023% maximum allele frequency in non-founder control populations (PM2). Based on the current evidence, this variant is classified as pathogenic for autosomal dominant dilated cardiomyopathy 1G.

Ambry Genetics
Classification: Likely pathogenic for Cardiovascular phenotype. Last evaluated: 2024-06-13. Review status: criteria provided, single submitter. Criteria: Ambry Variant Classification Scheme 2023. Collection method: clinical testing. Allele origin: germline.
Comment: The p.R11246* variant (also known as c.33736C>T), located in coding exon 131 of the TTN gene, results from a C to T substitution at nucleotide position 33736. This changes the amino acid from an arginine to a stop codon within coding exon 131. This exon is located in the A-band region of the N2-B isoform of the titin protein and is constitutively expressed in TTN transcripts (percent spliced in or PSI 100%). This variant (also referred to as p.Arg20311X, c.60931C>T) has been detected in dilated cardiomyopathy (DCM) cohorts (Roberts AM et al. Sci Transl Med, 2015 Jan;7:270ra6; Augusto JB et al. Eur Heart J Cardiovasc Imaging, 2020 Mar;21:326-336). This alteration is expected to result in loss of function by premature protein truncation or nonsense-mediated mRNA decay. While truncating variants in TTN are present in 1-3% of the general population, truncating variants in the A-band are the most common cause of dilated cardiomyopathy (DCM) (Herman DS et al. N. Engl. J. Med., 2012 Feb;366:619-28; Roberts AM et al. Sci Transl Med, 2015 Jan;7:270ra6). TTN truncating variants encoded in constitutive exons (PSI >90%) have been found to be significantly associated with DCM regardless of their position in titin (Schafer S et al. Nat. Genet., 2017 01;49:46-53). This variant is considered to be rare based on population cohorts in the Genome Aggregation Database (gnomAD). As such, this alteration is classified as likely pathogenic.

Center for Human Genetics, University of Leuven
Classification: Likely pathogenic for Primary dilated cardiomyopathy. Last evaluated: 2022-12-31. Review status: criteria provided, single submitter. Criteria: ACMG Guidelines, 2015. Collection method: clinical testing. Allele origin: germline. Affected: yes.

Revvity Omics, Revvity
Classification: Likely pathogenic. Last evaluated: 2021-12-09. Review status: criteria provided, single submitter. Criteria: ACMG Guidelines, 2015. Collection method: clinical testing. Allele origin: germline.

CHEO Genetics Diagnostic Laboratory, Children's Hospital of Eastern Ontario
Classification: Likely pathogenic for Cardiomyopathy. Last evaluated: 2020-02-10. Review status: criteria provided, single submitter. Criteria: ACMG Guidelines, 2015. Collection method: clinical testing. Allele origin: germline.

Cardiovascular Biomedical Research Unit, Royal Brompton & Harefield NHS Foundation Trust
Classification: Likely pathogenic for Primary dilated cardiomyopathy. Last evaluated: 2014-10-08. Review status: criteria provided, single submitter. Criteria: Roberts et al. 2015. Collection method: research. Allele origin: germline. Inheritance: Autosomal dominant inheritance. Affected: yes. Observed: 1 variant allele. Study: Unselected DCM.
Comment: In the seven cohorts assessed, TTNtv were found in 14% of ambulant DCM, 22% end-stage or familial DCM, and 2% controls. Heterozygous nonsense, frameshift and canonical splice-disrupting variants found in constitutive and other highly utilised exons are highly likely to be pathogenic when identified in individuals with phenotypically confirmed DCM. TTNtv found incidentally in healthy individuals (excluding familial assessment of DCM relatives) are thought to have low penetrance, particularly when identified in exons that are not constitutively expressed in the heart.

Cardiogenetics and Myogenetics Molecular and Cellular Functional Unit, Aphp Sorbonne University-Hopital Pitie Salpetriere
Classification: Pathogenic for Dilated cardiomyopathy 1G. Last evaluated: 2024-01-06. Review status: no assertion criteria provided. Collection method: clinical testing. Allele origin: germline. Affected: yes. Not counted in ClinVar's aggregate classification.

Literature cited by the submitters: PubMed 25589632 (cited by Labcorp Genetics (formerly Invitae), Labcorp and Ambry Genetics); PubMed 31317183 (cited by Labcorp Genetics (formerly Invitae), Labcorp and Ambry Genetics); PubMed 31983221 (cited by Labcorp Genetics (formerly Invitae), Labcorp); PubMed 32880476 (cited by Labcorp Genetics (formerly Invitae), Labcorp and Variantyx, Inc.); PubMed 39425739 (cited by Labcorp Genetics (formerly Invitae), Labcorp); PubMed 23975875 (cited by Labcorp Genetics (formerly Invitae), Labcorp); PubMed 27869827 (cited by Variantyx, Inc.); PubMed 33226272 (cited by Variantyx, Inc.); PubMed 29377983 (cited by Center for Human Genetics, University of Leuven).

NM_001267550.2(TTN):c.60931C>T (p.Arg20311Ter)

Genes: TTN (titin; minus strand), TTN-AS1 (TTN antisense RNA 1; plus strand). Cytogenetic location: 2q31.2.
Variant type: single nucleotide variant.
Coding change: c.60931C>T on transcript NM_001267550.2 (MANE Select); coding-DNA position 60931, C replaced by T.
Protein change: p.Arg20311Ter; replaces arginine 20311 with a stop codon.
Molecular consequence: nonsense.
Genome position (GRCh38, 1-based): chr2:178,590,794, G>A on the plus strand (C>T on the coding strand, the complement: TTN is on the minus strand). VCF-style: chr2-178590794-G-A. GRCh37 (hg19) VCF-style: chr2-179455521-G-A.
Other names: c.60931C>T (NM_001267550.1, LRG_391t1); c.56008C>T, p.Arg18670Ter (NM_001256850.1); c.33736C>T, p.Arg11246Ter (NM_003319.4); c.53227C>T, p.Arg17743Ter (NM_133378.4); c.34111C>T, p.Arg11371Ter (NM_133432.3); c.34312C>T, p.Arg11438Ter (NM_133437.4); short protein forms R20311*, R11246*, R18670*, R11438*, R17743*, R11371*.
Identifiers: ClinVar variation 223288 (VCV000223288.44), dbSNP rs869312055, ClinGen allele CA353222.